The following is an entry in ClinVar:

NM_003183.6(ADAM17):c.2319C>T (p.Asp773=)

Genes: ADAM17 (ADAM metallopeptidase domain 17; minus strand), IAH1 (isoamyl acetate hydrolyzing esterase 1 (putative); plus strand). Cytogenetic location: 2p25.1.
Variant type: single nucleotide variant.
Coding change: c.2319C>T on transcript NM_003183.6 (MANE Select); coding-DNA position 2319, C replaced by T.
Protein change: p.Asp773=; no amino-acid change (aspartic acid 773 retained).
Molecular consequence: synonymous variant.
Genome position (GRCh38, 1-based): chr2:9,490,333, G>A on the plus strand (C>T on the coding strand, the complement: ADAM17 is on the minus strand). VCF-style: chr2-9490333-G-A. GRCh37 (hg19) VCF-style: chr2-9630462-G-A.
Other names: c.2319C>T (NM_003183.5); c.1659C>T, p.Asp553= (NM_001382777.1); c.1422C>T, p.Asp474= (NM_001382778.1).
Identifiers: ClinVar variation 1116178 (VCV001116178.11), dbSNP rs376241260, ClinGen allele CA1523239.

ClinVar aggregate classification (germline): Likely benign. Review status: criteria provided, single submitter (1 of 4 stars). 2 submissions from 2 submitters: Likely benign (1). 1 of the submissions does not count toward it. Last evaluated 2025-08-29.

Conditions:
Inflammatory skin and bowel disease, neonatal, 1. Identifiers: Orphanet 294023, MedGen C3280501, MONDO:0013693, OMIM 614328.
ADAM17-related disorder. Also called: ADAM17-related condition.

Allele frequency attached by ClinVar (database versions not stated): gnomAD 0.00001; gnomAD exomes 0.00003 and 0.00004; ExAC 0.00004.
gnomAD v4.1: 48 of 1,613,938 alleles (0.003%); highest among the groups gnomAD compares: South Asian, 0.021%; 1 homozygote.

Submissions (2):

Labcorp Genetics (formerly Invitae), Labcorp
Classification: Likely benign for Inflammatory skin and bowel disease, neonatal, 1. Last evaluated: 2025-08-29. Review status: criteria provided, single submitter. Criteria: Invitae Variant Classification Sherloc (09022015). Collection method: clinical testing. Allele origin: germline.

PreventionGenetics, part of Exact Sciences
Classification: Likely benign for ADAM17-related condition. Last evaluated: 2019-09-13. Review status: no assertion criteria provided. Collection method: clinical testing. Allele origin: germline. Not counted in ClinVar's aggregate classification.
Comment: This variant is classified as likely benign based on ACMG/AMP sequence variant interpretation guidelines (Richards et al. 2015 PMID: 25741868, with internal and published modifications).